The following is an entry in ClinVar:

ClinVar aggregate classification (germline): Likely pathogenic (1 of 4 stars; one submission).

Conditions:
Mirror movements 1 (MRMV1). Identifiers: Orphanet 238722, MedGen C1834870, OMIM 157600, MONDO:0008002.
Malignant tumor of esophagus. Also called: Esophageal cancer; Esophageal cancer, somatic. Identifiers: Orphanet 99977, MedGen C0546837, MONDO:0007576, OMIM 133239.
Gaze palsy, familial horizontal, with progressive scoliosis, 2. Also called: GAZE PALSY, FAMILIAL HORIZONTAL, WITH PROGRESSIVE SCOLIOSIS 2, WITH IMPAIRED INTELLECTUAL DEVELOPMENT; DEVELOPMENTAL SPLIT-BRAIN SYNDROME. Identifiers: MedGen C4479640, MONDO:0054602, OMIM 617542.
Colorectal cancer. Also called: Colorectal cancer, somatic; Malignant Colorectal Neoplasm. Identifiers: MedGen C0346629, MONDO:0005575, OMIM 114500.

Submission:

Juno Genomics, Hangzhou Juno Genomics, Inc
Classification: Likely pathogenic for Colorectal cancer; Malignant tumor of esophagus; Gaze palsy, familial horizontal, with progressive scoliosis, 2; Mirror movements 1. Review status: criteria provided, single submitter. Criteria: ACMG Guidelines, 2015. Collection method: clinical testing. Allele origin: germline.
Comment: Null variant in a gene where loss of function (LOF) is a known mechanism of disease.;Absent from controls (or at extremely low frequency if recessive) in Genome Aggregation Database.

NM_005215.4(DCC):c.1261+1G>A

Gene: DCC (DCC netrin 1 receptor; plus strand). Cytogenetic location: 18q21.2.
Variant type: single nucleotide variant.
Coding change: c.1261+1G>A on transcript NM_005215.4 (MANE Select); the canonical splice donor site of the intron after coding-DNA position 1261, G replaced by A.
Molecular consequence: splice donor variant.
Genome position (GRCh38, 1-based): chr18:53,066,167, G>A. VCF-style: chr18-53066167-G-A. GRCh37 (hg19) VCF-style: chr18-50592537-G-A.
Identifiers: ClinVar variation 5005893 (VCV005005893.2).